The following is an entry in ClinVar:

NM_080605.4(B3GALT6):c.613C>G (p.Leu205Val)

Gene: B3GALT6 (beta-1,3-galactosyltransferase 6; plus strand). Cytogenetic location: 1p36.33.
Variant type: single nucleotide variant.
Coding change: c.613C>G on transcript NM_080605.4 (MANE Select); coding-DNA position 613, C replaced by G.
Protein change: p.Leu205Val; replaces leucine 205 with valine.
Molecular consequence: missense variant.
Genome position (GRCh38, 1-based): chr1:1,232,891, C>G. VCF-style: chr1-1232891-C-G. GRCh37 (hg19) VCF-style: chr1-1168271-C-G.
Other names: short protein forms L205V.
Identifiers: ClinVar variation 1034214 (VCV001034214.17), dbSNP rs1422897152, ClinGen allele CA337827063.
Genomic context (GRCh38, chr1:1,232,891, plus strand): 5'-TTCTTCTCGGGCCGCGGCCGCGTCAAGCCGGGGGGGCGCTGGCGCGAGGCCGCCTGGCAA[C>G]TCTGCGACTACTACCTGCCCTACGCGCTGGGCGGCGGCTACGTGCTCTCGGCCGACCTGG-3'
Protein context (NP_542172.2, residues 195-215): GGRWREAAWQ[Leu205Val]CDYYLPYALG

ClinVar aggregate classification (germline): Uncertain significance. Review status: criteria provided, multiple submitters, no conflicts (2 of 4 stars). 2 submissions from 2 submitters: Uncertain significance (2). Last evaluated 2024-08-01.

Conditions:
Ehlers-Danlos syndrome, spondylodysplastic type, 2 (EDSSPD2). Also called: Ehlers-Danlos syndrome, progeroid type, 2. Identifiers: Orphanet 536467, Orphanet 75496, MedGen C3809210, MONDO:0014139, OMIM 615349.

Allele frequency attached by ClinVar (database versions not stated): gnomAD exomes 0.00001 and 0.00003.
gnomAD v4.1: 37 of 1,555,514 alleles (0.0024%); highest among the groups gnomAD compares: Non-Finnish European, 0.0032%; no homozygotes.

Submissions (2):

CeGaT Center for Human Genetics Tuebingen
Classification: Uncertain significance. Last evaluated: 2024-08-01. Review status: criteria provided, single submitter. Criteria: CeGaT Center For Human Genetics Tuebingen Variant Classification Criteria Version 2. Collection method: clinical testing. Allele origin: germline. Affected: yes. Observed: 1 variant allele.
Comment: B3GALT6: PM2

Baylor Genetics
Classification: Uncertain significance for Ehlers-Danlos syndrome, spondylodysplastic type, 2. Last evaluated: 2018-09-28. Review status: criteria provided, single submitter. Criteria: ACMG Guidelines, 2015. Collection method: clinical testing. Allele origin: maternal. Affected: yes.
Comment: This variant was determined to be of uncertain significance according to ACMG Guidelines, 2015 [PMID:25741868].